The following is an entry in ClinVar:

NM_004448.4(ERBB2):c.65G>A (p.Ser22Asn)

Gene: ERBB2 (erb-b2 receptor tyrosine kinase 2; plus strand). Cytogenetic location: 17q12.
Variant type: single nucleotide variant.
Coding change: c.65G>A on transcript NM_004448.4 (MANE Select); coding-DNA position 65, G replaced by A.
Protein change: p.Ser22Asn; replaces serine 22 with asparagine.
Molecular consequence: missense variant. On other transcripts: 5 prime UTR variant (1), non-coding transcript variant (1), intron variant (4).
Genome position (GRCh38, 1-based): chr17:39,700,303, G>A. VCF-style: chr17-39700303-G-A. GRCh37 (hg19) VCF-style: chr17-37856556-G-A.
Other names: c.65G>A, p.Ser22Asn (NM_001289937.2, NM_001382784.1, NM_001382785.1 and 21 more transcripts); c.-151G>A (NM_001382783.1); c.-18+5122G>A (NM_001382782.1, NM_001005862.3, NM_001289938.2); c.28+716G>A (NM_001289936.2); short protein forms S22N.
Identifiers: ClinVar variation 1353241 (VCV001353241.6), dbSNP rs896376245, ClinGen allele CA290420219.

ClinVar aggregate classification (germline): Uncertain significance (1 of 4 stars; one submission).

Allele frequency attached by ClinVar (database versions not stated): gnomAD 0.00002; TOPMed 0.00003.
gnomAD v4.1: 13 of 1,424,946 alleles (0.00091%); highest among the groups gnomAD compares: Admixed American, 0.011%; no homozygotes.

Submission:

Labcorp Genetics (formerly Invitae), Labcorp
Classification: Uncertain significance. Last evaluated: 2025-09-24. Review status: criteria provided, single submitter. Criteria: Invitae Variant Classification Sherloc (09022015). Collection method: clinical testing. Allele origin: germline.
Comment: This sequence change replaces serine, which is neutral and polar, with asparagine, which is neutral and polar, at codon 22 of the ERBB2 protein (p.Ser22Asn). This variant is present in population databases (no rsID available, gnomAD 0.003%). This variant has not been reported in the literature in individuals affected with ERBB2-related conditions. ClinVar contains an entry for this variant (Variation ID: 1353241). An algorithm developed to predict the effect of missense changes on protein structure and function (PolyPhen-2) suggests that this variant is likely to be tolerated. In summary, the available evidence is currently insufficient to determine the role of this variant in disease. Therefore, it has been classified as a Variant of Uncertain Significance.